The following is an entry in ClinVar:

ClinVar aggregate classification (germline): Uncertain significance (1 of 4 stars; one submission).

Conditions:
Emery-Dreifuss muscular dystrophy 5, autosomal dominant (EDMD5). Also called: EMERY-DREIFUSS MUSCULAR DYSTROPHY 5. Identifiers: Orphanet 261, MedGen C2751805, MONDO:0013072, OMIM 612999.

Allele frequency attached by ClinVar (database versions not stated): gnomAD 0.00001; TOPMed 0.00001.
gnomAD v4.1: 19 of 1,614,088 alleles (0.0012%); highest among the groups gnomAD compares: Non-Finnish European, 0.0016%; no homozygotes.

Submission:

Labcorp Genetics (formerly Invitae), Labcorp
Classification: Uncertain significance for Emery-Dreifuss muscular dystrophy 5, autosomal dominant. Last evaluated: 2023-10-04. Review status: criteria provided, single submitter. Criteria: Invitae Variant Classification Sherloc (09022015). Collection method: clinical testing. Allele origin: germline.
Comment: This sequence change replaces proline, which is neutral and non-polar, with threonine, which is neutral and polar, at codon 5546 of the SYNE2 protein (p.Pro5546Thr). This variant is present in population databases (no rsID available, gnomAD 0.002%). This variant has not been reported in the literature in individuals affected with SYNE2-related conditions. ClinVar contains an entry for this variant (Variation ID: 2043365). An algorithm developed to predict the effect of missense changes on protein structure and function (PolyPhen-2) suggests that this variant is likely to be disruptive. In summary, the available evidence is currently insufficient to determine the role of this variant in disease. Therefore, it has been classified as a Variant of Uncertain Significance.

NM_182914.3(SYNE2):c.16636C>A (p.Pro5546Thr)

Gene: SYNE2 (spectrin repeat containing nuclear envelope protein 2; plus strand). Cytogenetic location: 14q23.2.
Variant type: single nucleotide variant.
Coding change: c.16636C>A on transcript NM_182914.3 (MANE Select); coding-DNA position 16636, C replaced by A.
Protein change: p.Pro5546Thr; replaces proline 5546 with threonine.
Molecular consequence: missense variant.
Genome position (GRCh38, 1-based): chr14:64,167,263, C>A. VCF-style: chr14-64167263-C-A. GRCh37 (hg19) VCF-style: chr14-64633981-C-A.
Other names: c.16636C>A, p.Pro5546Thr (NM_015180.6); short protein forms P5546T.
Identifiers: ClinVar variation 2043365 (VCV002043365.4), dbSNP rs1224714445, ClinGen allele CA389965073.